The following is an entry in ClinVar:

NM_000436.4(OXCT1):c.283G>C (p.Asp95His)

Gene: OXCT1 (3-oxoacid CoA-transferase 1; minus strand). Cytogenetic location: 5p13.1.
Variant type: single nucleotide variant.
Coding change: c.283G>C on transcript NM_000436.4 (MANE Select); coding-DNA position 283, G replaced by C.
Protein change: p.Asp95His; replaces aspartic acid 95 with histidine.
Molecular consequence: missense variant. On other transcripts: non-coding transcript variant (1).
Genome position (GRCh38, 1-based): chr5:41,853,550, C>G on the plus strand (G>C on the coding strand, the complement: OXCT1 is on the minus strand). VCF-style: chr5-41853550-C-G. GRCh37 (hg19) VCF-style: chr5-41853652-C-G.
Other names: c.283G>C, p.Asp95His (NM_001364299.2, NM_001364301.2, NM_001364302.2); c.304G>C, p.Asp102His (NM_001364300.2); short protein forms D102H, D95H.
Identifiers: ClinVar variation 2796690 (VCV002796690.3), dbSNP rs2478825746, ClinGen allele CA359629541.

ClinVar aggregate classification (germline): Uncertain significance (1 of 4 stars; one submission).

Conditions:
Succinyl-CoA acetoacetate transferase deficiency (SCOTD). Also called: 3-Oxoacid CoA Transferase Deficiency; SUCCINYL-CoA:3-KETOACID CoA-TRANSFERASE DEFICIENCY; KETOACIDOSIS DUE TO SCOT DEFICIENCY; SCOT DEFICIENCY; Succinyl CoA:3-oxoacid CoA transferase deficiency. Identifiers: Orphanet 832, MedGen C0342792, MONDO:0009492, OMIM 245050.

Submission:

Labcorp Genetics (formerly Invitae), Labcorp
Classification: Uncertain significance for Succinyl-CoA acetoacetate transferase deficiency. Last evaluated: 2022-11-06. Review status: criteria provided, single submitter. Criteria: Invitae Variant Classification Sherloc (09022015). Collection method: clinical testing. Allele origin: germline.
Comment: This sequence change replaces aspartic acid, which is acidic and polar, with histidine, which is basic and polar, at codon 95 of the OXCT1 protein (p.Asp95His). In summary, the available evidence is currently insufficient to determine the role of this variant in disease. Therefore, it has been classified as a Variant of Uncertain Significance. Advanced modeling of protein sequence and biophysical properties (such as structural, functional, and spatial information, amino acid conservation, physicochemical variation, residue mobility, and thermodynamic stability) has been performed at Invitae for this missense variant, however the output from this modeling did not meet the statistical confidence thresholds required to predict the impact of this variant on OXCT1 protein function. This variant has not been reported in the literature in individuals affected with OXCT1-related conditions. This variant is not present in population databases (gnomAD no frequency).